The following is an entry in ClinVar:

NM_018060.4(IARS2):c.1554A>T (p.Pro518=)

Gene: IARS2 (isoleucyl-tRNA synthetase 2, mitochondrial; plus strand). Cytogenetic location: 1q41.
Variant type: single nucleotide variant.
Coding change: c.1554A>T on transcript NM_018060.4 (MANE Select); coding-DNA position 1554, A replaced by T.
Protein change: p.Pro518=; no amino-acid change (proline 518 retained).
Molecular consequence: synonymous variant.
Genome position (GRCh38, 1-based): chr1:220,114,388, A>T. VCF-style: chr1-220114388-A-T. GRCh37 (hg19) VCF-style: chr1-220287730-A-T.
Identifiers: ClinVar variation 511621 (VCV000511621.3), dbSNP rs775197017, ClinGen allele CA1401456.

ClinVar aggregate classification (germline): Likely benign. Review status: criteria provided, multiple submitters, no conflicts (2 of 4 stars). 2 submissions from 2 submitters: Likely benign (2). Last evaluated 2026-01-06.

Allele frequency attached by ClinVar (database versions not stated): gnomAD 0.00001; ExAC 0.00002; gnomAD exomes 0.00002; TOPMed 0.00002.
gnomAD v4.1: 126 of 1,613,718 alleles (0.0078%); highest among the groups gnomAD compares: Non-Finnish European, 0.01%; no homozygotes.

Submissions (2):

Labcorp Genetics (formerly Invitae), Labcorp
Classification: Likely benign. Last evaluated: 2026-01-06. Review status: criteria provided, single submitter. Criteria: Invitae Variant Classification Sherloc (09022015). Collection method: clinical testing. Allele origin: germline.

GeneDx
Classification: Likely benign. Last evaluated: 2017-09-08. Review status: criteria provided, single submitter. Criteria: GeneDx Variant Classification (06012015). Collection method: clinical testing. Allele origin: germline. Affected: yes.
Comment: This variant is considered likely benign or benign based on one or more of the following criteria: it is a conservative change, it occurs at a poorly conserved position in the protein, it is predicted to be benign by multiple in silico algorithms, and/or has population frequency not consistent with disease.